The following is an entry in ClinVar:

ClinVar aggregate classification (germline): Pathogenic/Likely pathogenic. Review status: criteria provided, multiple submitters, no conflicts (2 of 4 stars). 4 submissions from 4 submitters: Pathogenic (2); Likely pathogenic (2). Last evaluated 2026-01-27.

Conditions:
Retinitis pigmentosa 25 (RP25). Identifiers: Orphanet 791, MedGen C1864446, MONDO:0011272, OMIM 602772.
EYS-related disorder. Also called: EYS-related condition.

Submissions (4):

Myriad Genetics, Inc.
Classification: Pathogenic for Retinitis pigmentosa 25. Last evaluated: 2026-01-27. Review status: criteria provided, single submitter. Criteria: Myriad Autosomal Dominant, Autosomal Recessive and X-Linked Classification Criteria (2023). Collection method: clinical testing. Allele origin: unknown.
Comment: NM_001142800.1(EYS):c.803delG(G268Efs*71) is a frameshift variant classified as pathogenic in the context of retinitis pigmentosa, EYS-related. G268Efs*71 has not been observed in cases with relevant disease. Relevant functional assessments of this variant are not available in the literature. G268Efs*71 has not been observed in referenced population frequency databases. In summary, NM_001142800.1(EYS):c.803delG(G268Efs*71) is a frameshift variant in a gene where loss of function is a known mechanism of disease and is predicted to disrupt protein function. Please note: this variant was assessed in the context of healthy population screening.

Baylor Genetics
Classification: Likely pathogenic for Retinitis pigmentosa 25. Last evaluated: 2023-09-26. Review status: criteria provided, single submitter. Criteria: ACMG Guidelines, 2015. Collection method: clinical testing. Allele origin: unknown.

Labcorp Genetics (formerly Invitae), Labcorp
Classification: Pathogenic. Last evaluated: 2022-05-06. Review status: criteria provided, single submitter. Criteria: Invitae Variant Classification Sherloc (09022015). Collection method: clinical testing. Allele origin: germline.
Comment: This variant has not been reported in the literature in individuals affected with EYS-related conditions. For these reasons, this variant has been classified as Pathogenic. Algorithms developed to predict the effect of sequence changes on RNA splicing suggest that this variant may disrupt the consensus splice site. ClinVar contains an entry for this variant (Variation ID: 865955). This variant is not present in population databases (gnomAD no frequency). This sequence change creates a premature translational stop signal (p.Gly268Glufs*71) in the EYS gene. It is expected to result in an absent or disrupted protein product. Loss-of-function variants in EYS are known to be pathogenic (PMID: 18836446, 20333770).

Blueprint Genetics
Classification: Likely pathogenic for EYS-related disorders. Last evaluated: 2022-04-22. Review status: criteria provided, single submitter. Criteria: ACMG Guidelines, 2015. Collection method: clinical testing. Allele origin: germline. Affected: yes. Observed: 3 variant alleles.

Literature cited by the submitters: PubMed 18836446 (cited by Labcorp Genetics (formerly Invitae), Labcorp); PubMed 20333770 (cited by Labcorp Genetics (formerly Invitae), Labcorp).

NM_001142800.2(EYS):c.803del (p.Gly268fs)

Gene: EYS (EGF-like photoreceptor maintenance factor; minus strand). Cytogenetic location: 6q12.
Variant type: Deletion.
Coding change: c.803del on transcript NM_001142800.2 (MANE Select); coding-DNA position 803, one base deleted (G; older notation c.803delG).
Protein change: p.Gly268fs; shifts the reading frame from glycine 268.
Molecular consequence: frameshift variant.
Genome position (GRCh38, 1-based): chr6:65,490,653, C deleted on the plus strand (G on the coding strand, the reverse complement: EYS is on the minus strand); the first of 2 consecutive C bases (chr6:65,490,653-65,490,654); deleting either gives the same sequence. VCF-style (leftmost placement, unchanged base first): chr6-65490652-TC-T. GRCh37 (hg19) VCF-style: chr6-66200545-TC-T.
Other names: c.803del, p.Gly268fs (NM_001142801.2, NM_001292009.2, NM_198283.2); short protein forms G268fs.
Identifiers: ClinVar variation 865955 (VCV000865955.10), dbSNP rs1766006937, ClinGen allele CA916082872.